The following is an entry in ClinVar:

ClinVar aggregate classification (germline): Uncertain significance (1 of 4 stars; one submission).

Conditions:
Hereditary cancer-predisposing syndrome. Also called: Neoplastic Syndromes, Hereditary; Tumor predisposition; Hereditary Cancer Syndrome; Hereditary neoplastic syndrome. Identifiers: Orphanet 140162, MedGen C0027672, MeSH D009386, MONDO:0015356.

Submission:

Ambry Genetics
Classification: Uncertain significance for Hereditary cancer-predisposing syndrome. Last evaluated: 2026-09-11. Review status: criteria provided, single submitter. Criteria: Ambry Variant Classification Scheme 2023. Collection method: clinical testing. Allele origin: germline.
Comment: The p.I753M variant (also known as c.2259A>G), located in coding exon 22 of the RB1 gene, results from an A to G substitution at nucleotide position 2259. The isoleucine at codon 753 is replaced by methionine, an amino acid with highly similar properties. This amino acid position is highly conserved in available vertebrate species. In addition, this alteration is predicted to be deleterious by in silico analysis. Based on the available evidence, the clinical significance of this variant remains unclear.

NM_000321.3(RB1):c.2259A>G (p.Ile753Met)

Gene: RB1 (RB transcriptional corepressor 1; plus strand). Cytogenetic location: 13q14.2.
Variant type: single nucleotide variant.
Coding change: c.2259A>G on transcript NM_000321.3 (MANE Select); coding-DNA position 2259, A replaced by G.
Protein change: p.Ile753Met; replaces isoleucine 753 with methionine.
Molecular consequence: missense variant.
Genome position (GRCh38, 1-based): chr13:48,465,045, A>G. VCF-style: chr13-48465045-A-G. GRCh37 (hg19) VCF-style: chr13-49039181-A-G.
Other names: c.2259A>G, p.Ile753Met (NM_001407165.1); short protein forms I753M.
Identifiers: ClinVar variation 4151169 (VCV004151169.2).
Genomic context (GRCh38, chr13:48,465,045, plus strand): 5'-TGTTCTTCCTCAGACATTCAAACGTGTTTTGATCAAAGAAGAGGAGTATGATTCTATTAT[A>G]GTATTCTATAACTCGGTCTTCATGCAGAGACTGAAAACAAATATTTTGCAGTATGCTTCC-3'
Protein context (NP_000312.2, residues 743-763): LIKEEEYDSI[Ile753Met]VFYNSVFMQR